The following is an entry in ClinVar:

NM_005228.5(EGFR):c.1417A>C (p.Asn473His)

Gene: EGFR (epidermal growth factor receptor; plus strand). Cytogenetic location: 7p11.2.
Variant type: single nucleotide variant.
Coding change: c.1417A>C on transcript NM_005228.5 (MANE Select); coding-DNA position 1417, A replaced by C.
Protein change: p.Asn473His; replaces asparagine 473 with histidine.
Molecular consequence: missense variant.
Genome position (GRCh38, 1-based): chr7:55,160,257, A>C. VCF-style: chr7-55160257-A-C. GRCh37 (hg19) VCF-style: chr7-55227950-A-C.
Other names: c.1282A>C, p.Asn428His (NM_001346897.2, NM_001346899.2); c.1417A>C, p.Asn473His (NM_001346898.2, NM_201282.2, NM_201284.2); c.1258A>C, p.Asn420His (NM_001346900.2); c.616A>C, p.Asn206His (NM_001346941.2); short protein forms N206H, N420H, N428H, N473H.
Identifiers: ClinVar variation 3670242 (VCV003670242.2).

ClinVar aggregate classification (germline): Uncertain significance (1 of 4 stars; one submission).

Conditions:
EGFR-related lung cancer (EGFR). Identifiers: MedGen CN130014.

Submission:

Labcorp Genetics (formerly Invitae), Labcorp
Classification: Uncertain significance for EGFR-related lung cancer. Last evaluated: 2024-08-04. Review status: criteria provided, single submitter. Criteria: Invitae Variant Classification Sherloc (09022015). Collection method: clinical testing. Allele origin: germline.
Comment: This sequence change replaces asparagine, which is neutral and polar, with histidine, which is basic and polar, at codon 473 of the EGFR protein (p.Asn473His). This variant is not present in population databases (gnomAD no frequency). This variant has not been reported in the literature in individuals affected with EGFR-related conditions. An algorithm developed to predict the effect of missense changes on protein structure and function (PolyPhen-2) suggests that this variant is likely to be disruptive. In summary, the available evidence is currently insufficient to determine the role of this variant in disease. Therefore, it has been classified as a Variant of Uncertain Significance.